The following is an entry in ClinVar:

NM_001281740.3(FHOD3):c.607-10C>T

Gene: FHOD3 (formin homology 2 domain containing 3; plus strand). Cytogenetic location: 18q12.2.
Variant type: single nucleotide variant.
Coding change: c.607-10C>T on transcript NM_001281740.3 (MANE Select); 10 bases into the intron before coding-DNA position 607, C replaced by T.
Molecular consequence: intron variant.
Genome position (GRCh38, 1-based): chr18:36,594,777, C>T. VCF-style: chr18-36594777-C-T. GRCh37 (hg19) VCF-style: chr18-34174740-C-T.
Other names: c.607-10C>T (NM_001281740.2, NM_025135.5, NM_001281739.3).
Identifiers: ClinVar variation 4938716 (VCV004938716.2).
Genomic context (GRCh38, chr18:36,594,777, plus strand): 5'-GTTAGGAAGATGCTCTCTGGTGCACAGGGCCTTGTTGGCAGTGATGTGATGGTTTTATCT[C>T]TTCTGCCAGTTCCGCCTGGTGGTGAAGACAGCCCTGAAGCTGCTGCTCGTCTTTGTAGAG-3'

ClinVar aggregate classification (germline): Likely benign. Review status: criteria provided, multiple submitters, no conflicts (2 of 4 stars). 2 submissions from 2 submitters: Likely benign (2). Last evaluated 2026-02-19.

Conditions:
FHOD3-related disorder. Also called: FHOD3-related condition.

gnomAD v4.1: 364 of 1,605,846 alleles (0.023%); highest among the groups gnomAD compares: Non-Finnish European, 0.03%; no homozygotes.

Submissions (2):

PreventionGenetics, part of Exact Sciences
Classification: Likely benign for FHOD3-related condition. Last evaluated: 2026-02-19. Review status: criteria provided, single submitter. Criteria: ACMG Guidelines, 2015. Collection method: clinical testing. Allele origin: germline.
Comment: This variant is classified as likely benign based on ACMG/AMP sequence variant interpretation guidelines (Richards et al. 2015 PMID: 25741868, with internal and published modifications).

Blueprint Genetics
Classification: Likely benign. Last evaluated: 2024-07-05. Review status: criteria provided, single submitter. Criteria: ACMG Guidelines, 2015. Collection method: clinical testing. Allele origin: germline.